The following is an entry in ClinVar:

NM_020376.4(PNPLA2):c.1266G>C (p.Trp422Cys)

Gene: PNPLA2 (patatin like domain 2, triacylglycerol lipase; plus strand). Cytogenetic location: 11p15.5.
Variant type: single nucleotide variant.
Coding change: c.1266G>C on transcript NM_020376.4 (MANE Select); coding-DNA position 1266, G replaced by C.
Protein change: p.Trp422Cys; replaces tryptophan 422 with cysteine.
Molecular consequence: missense variant.
Genome position (GRCh38, 1-based): chr11:824,613, G>C. VCF-style: chr11-824613-G-C. GRCh37 (hg19) VCF-style: chr11-824613-G-C.
Other names: short protein forms W422C.
Identifiers: ClinVar variation 1004329 (VCV001004329.6), dbSNP rs944560685, ClinGen allele CA378984679.

ClinVar aggregate classification (germline): Uncertain significance (1 of 4 stars; one submission).

Conditions:
Neutral lipid storage myopathy (NLSDM). Also called: NEUTRAL LIPID STORAGE DISEASE WITHOUT ICHTHYOSIS. Identifiers: Orphanet 98908, MedGen C1853136, MONDO:0012545, OMIM 610717.

gnomAD v4.1: 2 of 1,593,954 alleles (0.00013%); no homozygotes.

Submission:

Labcorp Genetics (formerly Invitae), Labcorp
Classification: Uncertain significance for Neutral lipid storage myopathy. Last evaluated: 2021-09-02. Review status: criteria provided, single submitter. Criteria: Invitae Variant Classification Sherloc (09022015). Collection method: clinical testing. Allele origin: germline.
Comment: This sequence change replaces tryptophan with cysteine at codon 422 of the PNPLA2 protein (p.Trp422Cys). The tryptophan residue is highly conserved and there is a large physicochemical difference between tryptophan and cysteine. This variant is not present in population databases (ExAC no frequency). This variant has not been reported in the literature in individuals affected with PNPLA2-related conditions. Algorithms developed to predict the effect of missense changes on protein structure and function are either unavailable or do not agree on the potential impact of this missense change (SIFT: "Deleterious"; PolyPhen-2: "Probably Damaging"; Align-GVGD: "Class C0"). In summary, the available evidence is currently insufficient to determine the role of this variant in disease. Therefore, it has been classified as a Variant of Uncertain Significance.